The following is an entry in ClinVar:

NC_000019.9:g.(?_4090596)_(4090726_?)dup

Gene: MAP2K2 (mitogen-activated protein kinase kinase 2; minus strand). Cytogenetic location: 19p13.3.
Variant type: Duplication.
Identifiers: ClinVar variation 2426938 (VCV002426938.3).

ClinVar aggregate classification (germline): Uncertain significance (1 of 4 stars; one submission).

Conditions:
RASopathy. Also called: Noonan spectrum disorder; rasopathies. Identifiers: Orphanet 536391, MedGen C5555857, MONDO:0021060.

Submission:

Labcorp Genetics (formerly Invitae), Labcorp
Classification: Uncertain significance for RASopathy. Last evaluated: 2022-05-16. Review status: criteria provided, single submitter. Criteria: Invitae Variant Classification Sherloc (09022015). Collection method: clinical testing. Allele origin: germline.
Comment: This variant results in a copy number gain of the genomic region encompassing exon(s) 11 of the MAP2K2 gene. This region includes the termination codon of the gene. This copy number gain extends beyond the assayed region for this gene and therefore may encompass additional genes. As the precise location of this event is unknown, it may be in tandem or it may be located elsewhere in the genome. This variant has not been reported in the literature in individuals affected with MAP2K2-related conditions. In summary, the available evidence is currently insufficient to determine the role of this variant in disease. Therefore, it has been classified as a Variant of Uncertain Significance.